The following is an entry in ClinVar:

NM_001556.3(IKBKB):c.385A>G (p.Ile129Val)

Genes: IKBKB (inhibitor of nuclear factor kappa B kinase subunit beta; plus strand), LOC126860373 (CDK7 strongly-dependent group 2 enhancer GRCh37_chr8:42150166-42151365; plus strand). Cytogenetic location: 8p11.21.
Variant type: single nucleotide variant.
Coding change: c.385A>G on transcript NM_001556.3 (MANE Select); coding-DNA position 385, A replaced by G.
Protein change: p.Ile129Val; replaces isoleucine 129 with valine.
Molecular consequence: missense variant. On other transcripts: non-coding transcript variant (3).
Genome position (GRCh38, 1-based): chr8:42,293,509, A>G. VCF-style: chr8-42293509-A-G. GRCh37 (hg19) VCF-style: chr8-42151027-A-G.
Other names: c.193A>G, p.Ile65Val (NM_001190720.3); c.208A>G, p.Ile70Val (NM_001242778.2); short protein forms I129V, I65V, I70V.
Identifiers: ClinVar variation 1015900 (VCV001015900.2), dbSNP rs1813081444, ClinGen allele CA371093659.
Genomic context (GRCh38, chr8:42,293,509, plus strand): 5'-AACCAGTTTGAGAACTGCTGTGGTCTGCGGGAAGGTGCCATCCTCACCTTGCTGAGTGAC[A>G]TTGGTAAATCCCAGTCCCGGAATTCAGGCCGTGTCCTTCAGGGAGAGTGTGGTGCCCCTG-3'
Protein context (NP_001547.1, residues 119-139): EGAILTLLSD[Ile129Val]ASALRYLHEN

ClinVar aggregate classification (germline): Uncertain significance (1 of 4 stars; one submission).

Conditions:
Severe combined immunodeficiency due to IKK2 deficiency. Also called: IMMUNODEFICIENCY 15B; Immunodeficiency 15. Identifiers: Orphanet 397787, MedGen C4747743, MONDO:0014267, OMIM 615592.

Submission:

Labcorp Genetics (formerly Invitae), Labcorp
Classification: Uncertain significance for Severe combined immunodeficiency due to IKK2 deficiency. Last evaluated: 2021-08-28. Review status: criteria provided, single submitter. Criteria: Invitae Variant Classification Sherloc (09022015). Collection method: clinical testing. Allele origin: germline.
Comment: This sequence change replaces isoleucine with valine at codon 129 of the IKBKB protein (p.Ile129Val). The isoleucine residue is highly conserved and there is a small physicochemical difference between isoleucine and valine. This variant is not present in population databases (ExAC no frequency). This variant has not been reported in the literature in individuals affected with IKBKB-related conditions. Algorithms developed to predict the effect of missense changes on protein structure and function are either unavailable or do not agree on the potential impact of this missense change (SIFT: "Deleterious"; PolyPhen-2: "Possibly Damaging"; Align-GVGD: "Class C0"). In summary, the available evidence is currently insufficient to determine the role of this variant in disease. Therefore, it has been classified as a Variant of Uncertain Significance.